The following is an entry in ClinVar:

NM_001098671.2(RASGRP2):c.1490del (p.Phe497fs)

Gene: RASGRP2 (RAS guanyl releasing protein 2; minus strand). Cytogenetic location: 11q13.1.
Variant type: Deletion.
Coding change: c.1490del on transcript NM_001098671.2 (MANE Select); coding-DNA position 1490, one base deleted (T; older notation c.1490delT).
Protein change: p.Phe497fs; shifts the reading frame from phenylalanine 497.
Molecular consequence: frameshift variant.
Genome position (GRCh38, 1-based): chr11:64,730,117, A deleted on the plus strand (T on the coding strand, the reverse complement: RASGRP2 is on the minus strand); the first of 2 consecutive A bases (chr11:64,730,117-64,730,118); deleting either gives the same sequence. VCF-style (leftmost placement, unchanged base first): chr11-64730116-GA-G. GRCh37 (hg19) VCF-style: chr11-64497588-GA-G.
Other names: c.1490delT (NM_153819.1); c.1490del, p.Phe497fs (NM_001098670.2); c.1055del, p.Phe352fs (NM_001318398.2); c.1489delT, p.Phe497Serfs (NM_153819.2); short protein forms F352fs, F497fs.
Identifiers: ClinVar variation 627002 (VCV000627002.8), dbSNP rs752492512, ClinGen allele CA223888229.

ClinVar aggregate classification (germline): Pathogenic/Likely pathogenic. Review status: criteria provided, multiple submitters, no conflicts (2 of 4 stars). 4 submissions from 3 submitters: Pathogenic (2); Likely pathogenic (1). 1 of the submissions does not count toward it. Last evaluated 2026-07-20.

Conditions:
RASGRP2-related disorder. Also called: RASGRP2-related condition.
Abnormal platelet aggregation. Identifiers: MedGen C0541767, HP:0030402.
Platelet-type bleeding disorder 18 (BDPLT18). Identifiers: Orphanet 420566, MedGen C4014584, MONDO:0014386, OMIM 615888.

Submissions (4):

PreventionGenetics, part of Exact Sciences
Classification: Pathogenic for RASGRP2-related condition. Last evaluated: 2026-07-20. Review status: criteria provided, single submitter. Criteria: ACMG Guidelines, 2015. Collection method: clinical testing. Allele origin: germline.
Comment: The RASGRP2 c.1490delT variant is predicted to result in a frameshift and premature protein termination (p.Phe497Serfs*22). This variant was reported in the homozygous and compound heterozygous states in multiple individuals with platelet function disorder (Westbury et al. 2017. PubMed ID: 28637664; Desai et al. 2017. PubMed ID: 30046681). This variant has not been reported in a large population database (gnomAD), indicating this variant is rare. Frameshift variants in RASGRP2 are expected to be pathogenic. This variant is interpreted as pathogenic.

Labcorp Genetics (formerly Invitae), Labcorp
Classification: Pathogenic. Last evaluated: 2025-10-14. Review status: criteria provided, single submitter. Criteria: Invitae Variant Classification Sherloc (09022015). Collection method: clinical testing. Allele origin: germline.
Comment: This sequence change creates a premature translational stop signal (p.Phe497Serfs*22) in the RASGRP2 gene. It is expected to result in an absent or disrupted protein product. Loss-of-function variants in RASGRP2 are known to be pathogenic (PMID: 27235135, 27663674). This variant is not present in population databases (gnomAD no frequency). This premature translational stop signal has been observed in individual(s) with platelet-type bleeding disorder (PMID: 28637664, 30046681, 31064749, 32581362). ClinVar contains an entry for this variant (Variation ID: 627002). Algorithms developed to predict the effect of sequence changes on RNA splicing suggest that this variant may disrupt the consensus splice site. For these reasons, this variant has been classified as Pathogenic.

NIHR Bioresource Rare Diseases, University of Cambridge
Classification: Likely pathogenic for Abnormal platelet aggregation. Last evaluated: 2019-02-01. Review status: criteria provided, single submitter. Criteria: ACMG Guidelines, 2015. Collection method: research. Allele origin: unknown. Affected: yes. Observed: 1 compound heterozygote. Study: ThromboGenomics.

NIHR Bioresource Rare Diseases, University of Cambridge
Classification: Likely pathogenic for Platelet-type bleeding disorder 18. Review status: no assertion criteria provided. Collection method: research. Allele origin: unknown. Affected: yes. Observed: 1 variant allele. Not counted in ClinVar's aggregate classification.

Literature cited by the submitters: PubMed 27235135 (cited by Labcorp Genetics (formerly Invitae), Labcorp); PubMed 27663674 (cited by Labcorp Genetics (formerly Invitae), Labcorp); PubMed 28637664 (cited by Labcorp Genetics (formerly Invitae), Labcorp); PubMed 30046681 (cited by Labcorp Genetics (formerly Invitae), Labcorp); PubMed 31064749 (cited by Labcorp Genetics (formerly Invitae), Labcorp and NIHR Bioresource Rare Diseases, University of Cambridge); PubMed 32581362 (cited by Labcorp Genetics (formerly Invitae), Labcorp and NIHR Bioresource Rare Diseases, University of Cambridge).